The following is an entry in ClinVar:

NM_002471.4(MYH6):c.1809C>T (p.Asn603=)

Gene: MYH6 (myosin heavy chain 6; minus strand). Cytogenetic location: 14q11.2.
Variant type: single nucleotide variant.
Coding change: c.1809C>T on transcript NM_002471.4 (MANE Select); coding-DNA position 1809, C replaced by T.
Protein change: p.Asn603=; no amino-acid change (asparagine 603 retained).
Molecular consequence: synonymous variant.
Genome position (GRCh38, 1-based): chr14:23,398,810, G>A on the plus strand (C>T on the coding strand, the complement: MYH6 is on the minus strand). VCF-style: chr14-23398810-G-A. GRCh37 (hg19) VCF-style: chr14-23868019-G-A.
Identifiers: ClinVar variation 44457 (VCV000044457.13), dbSNP rs186134696, ClinGen allele CA134257.

ClinVar aggregate classification (germline): Likely benign. Review status: criteria provided, multiple submitters, no conflicts (2 of 4 stars). 3 submissions from 3 submitters: Likely benign (3). Last evaluated 2025-10-29.

Conditions:
Cardiovascular phenotype. Identifiers: MedGen CN230736.
Hypertrophic cardiomyopathy 14. Identifiers: MedGen C2750467, MONDO:0013197, OMIM 613251.

Allele frequency attached by ClinVar (database versions not stated): gnomAD exomes below 0.00001; ExAC 0.00001; gnomAD 0.00001 and 0.00002; TOPMed 0.00002; 1000 Genomes Project 30x 0.00016; 1000 Genomes Project 0.00020.
gnomAD v4.1: 22 of 1,614,196 alleles (0.0014%); highest among the groups gnomAD compares: East Asian, 0.0067%; no homozygotes.

Submissions (3):

Labcorp Genetics (formerly Invitae), Labcorp
Classification: Likely benign for Hypertrophic cardiomyopathy 14. Last evaluated: 2025-10-29. Review status: criteria provided, single submitter. Criteria: Invitae Variant Classification Sherloc (09022015). Collection method: clinical testing. Allele origin: germline.

Ambry Genetics
Classification: Likely benign for Cardiovascular phenotype. Last evaluated: 2023-12-11. Review status: criteria provided, single submitter. Criteria: Ambry Variant Classification Scheme 2023. Collection method: clinical testing. Allele origin: germline.

Laboratory for Molecular Medicine, Mass General Brigham Personalized Medicine
Classification: Likely benign. Last evaluated: 2013-01-13. Review status: criteria provided, single submitter. Criteria: LMM Criteria. Collection method: clinical testing. Allele origin: germline. Observed: 1 variant allele.
Comment: Asn603Asn in exon 15 of MYH6: This variant is not expected to have clinical sign ificance because it does not alter an amino acid residue and is not located with in the splice consensus sequence. This variant has been identified in 1/178 Japa nese chromosomes from a broad population by the 1000 Genomes Project (dbSNP rs18 6134696). Asn603Asn in exon 15 of MYH6 (rs186134696; allele frequency = 1/178)